The following is an entry in ClinVar:

NM_001130917.3(LILRA2):c.1185C>T (p.Cys395=)

Gene: LILRA2 (leukocyte immunoglobulin like receptor A2; plus strand). Cytogenetic location: 19q13.42.
Variant type: single nucleotide variant.
Coding change: c.1185C>T on transcript NM_001130917.3 (MANE Select); coding-DNA position 1185, C replaced by T.
Protein change: p.Cys395=; no amino-acid change (cysteine 395 retained).
Molecular consequence: synonymous variant.
Genome position (GRCh38, 1-based): chr19:54,576,039, C>T. VCF-style: chr19-54576039-C-T. GRCh37 (hg19) VCF-style: chr19-55087506-C-T.
Other names: c.1149C>T, p.Cys383= (NM_001290270.1); c.1185C>T, p.Cys395= (NM_001290271.2, NM_006866.4).
Identifiers: ClinVar variation 4083539 (VCV004083539.8).

ClinVar aggregate classification (germline): Likely benign (1 of 4 stars; one submission).

Submission:

CeGaT Center for Human Genetics Tuebingen
Classification: Likely benign. Last evaluated: 2025-11-01. Review status: criteria provided, single submitter. Criteria: CeGaT Center For Human Genetics Tuebingen Variant Classification Criteria Version 2. Collection method: clinical testing. Allele origin: germline. Affected: yes. Observed: 4 variant alleles.
Comment: LILRA2: BP4, BP7